The following is an entry in ClinVar:

ClinVar aggregate classification (germline): Uncertain significance (1 of 4 stars; one submission).

Submission:

Ambry Genetics
Classification: Uncertain significance. Last evaluated: 2023-11-30. Review status: criteria provided, single submitter. Criteria: Ambry Variant Classification Scheme 2023. Collection method: clinical testing. Allele origin: germline.
Comment: The p.Q2333E variant (also known as c.6997C>G), located in coding exon 25 of the POLQ gene, results from a C to G substitution at nucleotide position 6997. The glutamine at codon 2333 is replaced by glutamic acid, an amino acid with highly similar properties. This amino acid position is conserved. In addition, this alteration is predicted to be deleterious by in silico analysis. Since supporting evidence is limited at this time, the clinical significance of this alteration remains unclear.

NM_199420.4(POLQ):c.6997C>G (p.Gln2333Glu)

Gene: POLQ (DNA polymerase theta; minus strand). Cytogenetic location: 3q13.33.
Variant type: single nucleotide variant.
Coding change: c.6997C>G on transcript NM_199420.4 (MANE Select); coding-DNA position 6997, C replaced by G.
Protein change: p.Gln2333Glu; replaces glutamine 2333 with glutamic acid.
Molecular consequence: missense variant.
Genome position (GRCh38, 1-based): chr3:121,460,205, G>C on the plus strand (C>G on the coding strand, the complement: POLQ is on the minus strand). VCF-style: chr3-121460205-G-C. GRCh37 (hg19) VCF-style: chr3-121179052-G-C.
Other names: short protein forms Q2333E.
Identifiers: ClinVar variation 1756495 (VCV001756495.2), dbSNP rs2047780747, ClinGen allele CA354107759.
Genomic context (GRCh38, chr3:121,460,205, plus strand): 5'-TTAACACTTGAATGAGACGACGATCATGGGATAAATGAGCCAAGATCCTCAGTTCAAGCT[G>C]AGAGTAGTCAGCAGCCAGTATTGAACCACCTGAAGTAGAAGTGATTTCAGAAAAGCTAGT-3'
Protein context (NP_955452.3, residues 2323-2343): GGSILAADYS[Gln2333Glu]LELRILAHLS